The following is an entry in ClinVar:

NM_152424.4(AMER1):c.2486A>G (p.His829Arg)

Gene: AMER1 (APC membrane recruitment protein 1; minus strand). Cytogenetic location: Xq11.2.
Variant type: single nucleotide variant.
Coding change: c.2486A>G on transcript NM_152424.4 (MANE Select); coding-DNA position 2486, A replaced by G.
Protein change: p.His829Arg; replaces histidine 829 with arginine.
Molecular consequence: missense variant.
Genome position (GRCh38, 1-based): chrX:64,190,801, T>C on the plus strand (A>G on the coding strand, the complement: AMER1 is on the minus strand). VCF-style: chrX-64190801-T-C. GRCh37 (hg19) VCF-style: chrX-63410681-T-C.
Other names: short protein forms H829R.
Identifiers: ClinVar variation 3646406 (VCV003646406.2).

ClinVar aggregate classification (germline): Uncertain significance (1 of 4 stars; one submission).

gnomAD v4.1: 8 of 1,210,580 alleles (0.00066%); highest among the groups gnomAD compares: East Asian, 0.0059%; no homozygotes.

Submission:

Labcorp Genetics (formerly Invitae), Labcorp
Classification: Uncertain significance. Last evaluated: 2024-04-29. Review status: criteria provided, single submitter. Criteria: Invitae Variant Classification Sherloc (09022015). Collection method: clinical testing. Allele origin: germline.
Comment: This sequence change replaces histidine, which is basic and polar, with arginine, which is basic and polar, at codon 829 of the AMER1 protein (p.His829Arg). This variant is present in population databases (no rsID available, gnomAD 0.008%). This variant has not been reported in the literature in individuals affected with AMER1-related conditions. An algorithm developed to predict the effect of missense changes on protein structure and function (PolyPhen-2) suggests that this variant is likely to be tolerated. In summary, the available evidence is currently insufficient to determine the role of this variant in disease. Therefore, it has been classified as a Variant of Uncertain Significance.